The following is an entry in ClinVar:

NM_003072.5(SMARCA4):c.3434C>T (p.Pro1145Leu)

Gene: SMARCA4 (SWI/SNF related BAF chromatin remodeling complex subunit ATPase 4; plus strand). Cytogenetic location: 19p13.2.
Variant type: single nucleotide variant.
Coding change: c.3434C>T on transcript NM_003072.5 (MANE Select); coding-DNA position 3434, C replaced by T.
Protein change: p.Pro1145Leu; replaces proline 1145 with leucine.
Molecular consequence: missense variant. On other transcripts: non-coding transcript variant (1).
Genome position (GRCh38, 1-based): chr19:11,030,781, C>T. VCF-style: chr19-11030781-C-T. GRCh37 (hg19) VCF-style: chr19-11141457-C-T.
Other names: c.3434C>T, p.Pro1145Leu (NM_001128844.3, NM_001128845.2, NM_001128846.2 and 6 more transcripts); short protein forms P1145L.
Identifiers: ClinVar variation 4170142 (VCV004170142.1).

ClinVar aggregate classification (germline): Uncertain significance (1 of 4 stars; one submission).

Conditions:
Hereditary cancer-predisposing syndrome. Also called: Neoplastic Syndromes, Hereditary; Tumor predisposition; Hereditary Cancer Syndrome; Hereditary neoplastic syndrome. Identifiers: Orphanet 140162, MedGen C0027672, MeSH D009386, MONDO:0015356.

Submission:

Ambry Genetics
Classification: Uncertain significance for Hereditary cancer-predisposing syndrome. Last evaluated: 2025-06-28. Review status: criteria provided, single submitter. Criteria: Ambry Variant Classification Scheme 2023. Collection method: clinical testing. Allele origin: germline.
Comment: The p.P1145L variant (also known as c.3434C>T), located in coding exon 24 of the SMARCA4 gene, results from a C to T substitution at nucleotide position 3434. The proline at codon 1145 is replaced by leucine, an amino acid with similar properties. This amino acid position is conserved. In addition, the in silico prediction for this alteration is inconclusive. Based on the available evidence, the clinical significance of this variant remains unclear.